The following is an entry in ClinVar:

ClinVar aggregate classification (germline): Uncertain significance (1 of 4 stars; one submission).

Conditions:
Hereditary cancer-predisposing syndrome. Also called: Neoplastic Syndromes, Hereditary; Tumor predisposition; Hereditary Cancer Syndrome; Hereditary neoplastic syndrome. Identifiers: Orphanet 140162, MedGen C0027672, MeSH D009386, MONDO:0015356.

Submission:

Ambry Genetics
Classification: Uncertain significance for Hereditary cancer-predisposing syndrome. Last evaluated: 2026-06-02. Review status: criteria provided, single submitter. Criteria: Ambry Variant Classification Scheme 2023. Collection method: clinical testing. Allele origin: germline.
Comment: The p.K504M variant (also known as c.1511A>T), located in coding exon 11 of the NBN gene, results from an A to T substitution at nucleotide position 1511. The lysine at codon 504 is replaced by methionine, an amino acid with similar properties. This amino acid position is conserved. In addition, this alteration is predicted to be tolerated by in silico analysis. Based on the available evidence, the clinical significance of this variant remains unclear.

NM_002485.5(NBN):c.1511A>T (p.Lys504Met)

Gene: NBN (nibrin; minus strand). Cytogenetic location: 8q21.3.
Variant type: single nucleotide variant.
Coding change: c.1511A>T on transcript NM_002485.5 (MANE Select); coding-DNA position 1511, A replaced by T.
Protein change: p.Lys504Met; replaces lysine 504 with methionine.
Molecular consequence: missense variant.
Genome position (GRCh38, 1-based): chr8:89,953,578, T>A on the plus strand (A>T on the coding strand, the complement: NBN is on the minus strand). VCF-style: chr8-89953578-T-A. GRCh37 (hg19) VCF-style: chr8-90965806-T-A.
Other names: c.1265A>T, p.Lys422Met (NM_001024688.3, NM_001440379.1, NM_001440380.1); short protein forms K422M, K504M.
Identifiers: ClinVar variation 4860761 (VCV004860761.1).